The following is an entry in ClinVar:

ClinVar aggregate classification (germline): Uncertain significance (1 of 4 stars; one submission).

Conditions:
NRP2-related disorder. Also called: NRP2-related condition.

gnomAD v4.1: 1 of 1,614,122 alleles (0.000062%); highest among the groups gnomAD compares: Non-Finnish European, 0.000085%; no homozygotes.

Submission:

PreventionGenetics, part of Exact Sciences
Classification: Uncertain significance for NRP2-related condition. Last evaluated: 2025-02-20. Review status: criteria provided, single submitter. Criteria: ACMG Guidelines, 2015. Collection method: clinical testing. Allele origin: germline.
Comment: The NRP2 c.2351T>C variant is predicted to result in the amino acid substitution p.Ile784Thr. To our knowledge, this variant has not been reported in the literature or in a large population database (gnomAD), indicating this variant is rare. At this time, the clinical significance of this variant is uncertain due to the absence of conclusive functional and genetic evidence.

NM_003872.3(NRP2):c.2351T>C (p.Ile784Thr)

Gene: NRP2 (neuropilin 2; plus strand). Cytogenetic location: 2q33.3.
Variant type: single nucleotide variant.
Coding change: c.2351T>C on transcript NM_003872.3 (MANE Select); coding-DNA position 2351, T replaced by C.
Protein change: p.Ile784Thr; replaces isoleucine 784 with threonine.
Molecular consequence: missense variant.
Genome position (GRCh38, 1-based): chr2:205,765,517, T>C. VCF-style: chr2-205765517-T-C. GRCh37 (hg19) VCF-style: chr2-206630241-T-C.
Other names: c.2351T>C, p.Ile784Thr (NM_018534.4, NM_201266.2, NM_201267.2 and 1 more transcripts); short protein forms I784T.
Identifiers: ClinVar variation 5001709 (VCV005001709.1).